The following is an entry in ClinVar:

ClinVar aggregate classification (germline): Pathogenic (1 of 4 stars; one submission).

Conditions:
Ehlers-Danlos syndrome due to tenascin-X deficiency (EDSCLL1). Also called: EDS DUE TO TNX DEFICIENCY; TNX DEFICIENCY; Ehlers-Danlos syndrome, classic-like, 1; EHLERS-DANLOS SYNDROME, CLASSIC-LIKE; TNXB-Related Classical-Like Ehlers-Danlos Syndrome. Identifiers: Orphanet 230839, MedGen C1848029, MONDO:0011670, OMIM 606408.

Submission:

Myriad Genetics, Inc.
Classification: Pathogenic for Ehlers-Danlos syndrome due to tenascin-X deficiency. Last evaluated: 2025-07-03. Review status: criteria provided, single submitter. Criteria: Myriad Autosomal Dominant, Autosomal Recessive and X-Linked Classification Criteria (2023). Collection method: clinical testing. Allele origin: unknown.
Comment: NM_019105.6(TNXB):c.3853C>T(Q1285*) is expected to be pathogenic in the context of classical-like Ehlers-Danlos syndrome, TNXB-related. This variant is predicted to lead to an abnormal or absent protein product due to the creation of a premature termination codon in TNXB, a gene where loss-of-function variants are known to be pathogenic. Please note: this variant was assessed in the context of healthy population screening.

NM_001365276.2(TNXB):c.3853C>T (p.Gln1285Ter)

Gene: TNXB (tenascin XB; minus strand). Cytogenetic location: 6p21.33.
Variant type: single nucleotide variant.
Coding change: c.3853C>T on transcript NM_001365276.2 (MANE Select); coding-DNA position 3853, C replaced by T.
Protein change: p.Gln1285Ter; replaces glutamine 1285 with a stop codon.
Molecular consequence: nonsense.
Genome position (GRCh38, 1-based): chr6:32,081,557, G>A on the plus strand (C>T on the coding strand, the complement: TNXB is on the minus strand). VCF-style: chr6-32081557-G-A. GRCh37 (hg19) VCF-style: chr6-32049334-G-A.
Other names: c.4594C>T, p.Gln1532Ter (NM_001428335.1); c.3853C>T, p.Gln1285Ter (NM_019105.8); short protein forms Q1285*, Q1532*.
Identifiers: ClinVar variation 5014681 (VCV005014681.1).